The following is an entry in ClinVar:

NC_000005.10:g.(?_80725443)_(80744625_?)del

Gene: MSH3 (mutS homolog 3; plus strand). Cytogenetic location: 5q14.1.
Variant type: Deletion.
Identifiers: ClinVar variation 640983 (VCV000640983.7).

ClinVar aggregate classification (germline): Uncertain significance (1 of 4 stars; one submission).

Submission:

Labcorp Genetics (formerly Invitae), Labcorp
Classification: Uncertain significance. Last evaluated: 2024-01-02. Review status: criteria provided, single submitter. Criteria: Invitae Variant Classification Sherloc (09022015). Collection method: clinical testing. Allele origin: germline.
Comment: This variant is a gross deletion of the genomic region encompassing exon(s) 9-12 of the MSH3 gene. This variant would be expected to be in-frame, preserving the integrity of the reading frame. This variant has not been reported in the literature in individuals affected with MSH3-related conditions. Experimental studies and prediction algorithms are not available or were not evaluated, and the functional significance of this variant is currently unknown. In summary, the available evidence is currently insufficient to determine the role of this variant in disease. Therefore, it has been classified as a Variant of Uncertain Significance.